The following is an entry in ClinVar:

NM_003924.4(PHOX2B):c.235G>C (p.Ala79Pro)

Genes: PHOX2B-AS1 (PHOX2B antisense RNA 1; plus strand), PHOX2B (paired like homeobox 2B; minus strand). Cytogenetic location: 4p13.
Variant type: single nucleotide variant.
Coding change: c.235G>C on transcript NM_003924.4 (MANE Select); coding-DNA position 235, G replaced by C.
Protein change: p.Ala79Pro; replaces alanine 79 with proline.
Molecular consequence: missense variant. On other transcripts: non-coding transcript variant (1).
Genome position (GRCh38, 1-based): chr4:41,748,376, C>G on the plus strand (G>C on the coding strand, the complement: PHOX2B is on the minus strand). VCF-style: chr4-41748376-C-G. GRCh37 (hg19) VCF-style: chr4-41750393-C-G.
Other names: short protein forms A79P.
Identifiers: ClinVar variation 2625357 (VCV002625357.2), dbSNP rs1733979302, ClinGen allele CA356740757.

ClinVar aggregate classification (germline): Uncertain significance (1 of 4 stars; one submission).

Conditions:
Hereditary cancer-predisposing syndrome. Also called: Tumor predisposition; Hereditary Cancer Syndrome; Hereditary neoplastic syndrome; Neoplastic Syndromes, Hereditary. Identifiers: Orphanet 140162, MedGen C0027672, MeSH D009386, MONDO:0015356.

Submission:

Ambry Genetics
Classification: Uncertain significance for Hereditary cancer-predisposing syndrome. Last evaluated: 2023-09-06. Review status: criteria provided, single submitter. Criteria: Ambry Variant Classification Scheme 2023. Collection method: clinical testing. Allele origin: germline.
Comment: The p.A79P variant (also known as c.235G>C), located in coding exon 1 of the PHOX2B gene, results from a G to C substitution at nucleotide position 235. The alanine at codon 79 is replaced by proline, an amino acid with highly similar properties. This amino acid position is conserved. In addition, the in silico prediction for this alteration is inconclusive. Since supporting evidence is limited at this time, the clinical significance of this alteration remains unclear.